The following is an entry in ClinVar:

ClinVar aggregate classification (germline): Uncertain significance (1 of 4 stars; one submission).

Conditions:
Hyperornithinemia-hyperammonemia-homocitrullinuria syndrome (HHHS). Also called: HHH SYNDROME; Ornithine translocase deficiency. Identifiers: Orphanet 415, MedGen C0268540, MONDO:0009393, OMIM 238970.

Allele frequency attached by ClinVar (database versions not stated): TOPMed below 0.00001.

Submission:

Labcorp Genetics (formerly Invitae), Labcorp
Classification: Uncertain significance for Hyperornithinemia-hyperammonemia-homocitrullinuria syndrome. Last evaluated: 2024-10-17. Review status: criteria provided, single submitter. Criteria: Invitae Variant Classification Sherloc (09022015). Collection method: clinical testing. Allele origin: germline.
Comment: This sequence change replaces alanine, which is neutral and non-polar, with glycine, which is neutral and non-polar, at codon 17 of the SLC25A15 protein (p.Ala17Gly). This variant is not present in population databases (gnomAD no frequency). This variant has not been reported in the literature in individuals affected with SLC25A15-related conditions. Invitae Evidence Modeling of protein sequence and biophysical properties (such as structural, functional, and spatial information, amino acid conservation, physicochemical variation, residue mobility, and thermodynamic stability) has been performed for this missense variant. However, the output from this modeling did not meet the statistical confidence thresholds required to predict the impact of this variant on SLC25A15 protein function. In summary, the available evidence is currently insufficient to determine the role of this variant in disease. Therefore, it has been classified as a Variant of Uncertain Significance.

NM_014252.4(SLC25A15):c.50C>G (p.Ala17Gly)

Gene: SLC25A15 (solute carrier family 25 member 15; plus strand). Cytogenetic location: 13q14.11.
Variant type: single nucleotide variant.
Coding change: c.50C>G on transcript NM_014252.4 (MANE Select); coding-DNA position 50, C replaced by G.
Protein change: p.Ala17Gly; replaces alanine 17 with glycine.
Molecular consequence: missense variant.
Genome position (GRCh38, 1-based): chr13:40,793,276, C>G. VCF-style: chr13-40793276-C-G. GRCh37 (hg19) VCF-style: chr13-41367412-C-G.
Other names: short protein forms A17G.
Identifiers: ClinVar variation 2835058 (VCV002835058.3), dbSNP rs1881572622, ClinGen allele CA387916349.
Genomic context (GRCh38, chr13:40,793,276, plus strand): 5'-AGTGGGCAAACATGAAATCCAATCCTGCTATCCAGGCTGCCATTGACCTCACAGCGGGGG[C>G]TGCAGGTACAGTCATGTGCCTCATCACCATGTTTCTGTCGTTGATGGATGGTGTATCTGA-3'
Protein context (NP_055067.1, residues 7-27): IQAAIDLTAG[Ala17Gly]AGGTACVLTG